The following is an entry in ClinVar:

ClinVar aggregate classification (germline): Uncertain significance (1 of 4 stars; one submission).

Conditions:
Nephronophthisis. Also called: Juvenile Nephronophthisis. Identifiers: Orphanet 655, MedGen C0687120, MONDO:0019005, HP:0000090.

Allele frequency attached by ClinVar (database versions not stated): gnomAD exomes below 0.00001; TOPMed below 0.00001; gnomAD 0.00001.
gnomAD v4.1: 2 of 1,604,776 alleles (0.00012%); highest among the groups gnomAD compares: Admixed American, 0.0034%; no homozygotes.

Submission:

Labcorp Genetics (formerly Invitae), Labcorp
Classification: Uncertain significance for Nephronophthisis. Last evaluated: 2022-06-20. Review status: criteria provided, single submitter. Criteria: Invitae Variant Classification Sherloc (09022015). Collection method: clinical testing. Allele origin: germline.
Comment: This sequence change replaces aspartic acid, which is acidic and polar, with histidine, which is basic and polar, at codon 169 of the NPHP4 protein (p.Asp169His). In summary, the available evidence is currently insufficient to determine the role of this variant in disease. Therefore, it has been classified as a Variant of Uncertain Significance. Algorithms developed to predict the effect of missense changes on protein structure and function are either unavailable or do not agree on the potential impact of this missense change (SIFT: "Deleterious"; PolyPhen-2: "Probably Damaging"; Align-GVGD: "Class C0"). ClinVar contains an entry for this variant (Variation ID: 1056447). This variant has not been reported in the literature in individuals affected with NPHP4-related conditions. The frequency data for this variant in the population databases is considered unreliable, as metrics indicate poor data quality at this position in the gnomAD database.

NM_015102.5(NPHP4):c.505G>C (p.Asp169His)

Gene: NPHP4 (nephrocystin 4; minus strand). Cytogenetic location: 1p36.31.
Variant type: single nucleotide variant.
Coding change: c.505G>C on transcript NM_015102.5 (MANE Select); coding-DNA position 505, G replaced by C.
Protein change: p.Asp169His; replaces aspartic acid 169 with histidine.
Molecular consequence: missense variant. On other transcripts: 5 prime UTR variant (2), non-coding transcript variant (1).
Genome position (GRCh38, 1-based): chr1:5,967,311, C>G on the plus strand (G>C on the coding strand, the complement: NPHP4 is on the minus strand). VCF-style: chr1-5967311-C-G. GRCh37 (hg19) VCF-style: chr1-6027371-C-G.
Other names: c.-725G>C (NM_001291593.2); c.-862G>C (NM_001291594.2); short protein forms D169H.
Identifiers: ClinVar variation 1056447 (VCV001056447.9), dbSNP rs1237544876, ClinGen allele CA338049351.